The following is an entry in ClinVar:

ClinVar aggregate classification (germline): Uncertain significance. Review status: criteria provided, multiple submitters, no conflicts (2 of 4 stars). 3 submissions from 3 submitters: Uncertain significance (3). Last evaluated 2025-09-21.

Conditions:
Cardiovascular phenotype. Identifiers: MedGen CN230736.

Allele frequency attached by ClinVar (database versions not stated): gnomAD 0.00002; TOPMed 0.00002.
gnomAD v4.1: 11 of 1,613,986 alleles (0.00068%); highest among the groups gnomAD compares: Non-Finnish European, 0.00076%; no homozygotes.

Submissions (3):

Ambry Genetics
Classification: Uncertain significance for Cardiovascular phenotype. Last evaluated: 2025-09-21. Review status: criteria provided, single submitter. Criteria: Ambry Variant Classification Scheme 2023. Collection method: clinical testing. Allele origin: germline.
Comment: The p.E397K variant (also known as c.1189G>A), located in coding exon 5 of the ALPK3 gene, results from a G to A substitution at nucleotide position 1189. The glutamic acid at codon 397 is replaced by lysine, an amino acid with similar properties. This amino acid position is highly conserved in available vertebrate species. In addition, the in silico prediction for this alteration is inconclusive. Since supporting evidence is limited at this time, the clinical significance of this alteration remains unclear.

Women's Health and Genetics/Laboratory Corporation of America, LabCorp
Classification: Uncertain significance. Last evaluated: 2025-03-24. Review status: criteria provided, single submitter. Criteria: LabCorp Variant Classification Summary - May 2015. Collection method: clinical testing. Allele origin: germline.

Labcorp Genetics (formerly Invitae), Labcorp
Classification: Uncertain significance. Last evaluated: 2024-06-09. Review status: criteria provided, single submitter. Criteria: Invitae Variant Classification Sherloc (09022015). Collection method: clinical testing. Allele origin: germline.
Comment: This sequence change replaces glutamic acid, which is acidic and polar, with lysine, which is basic and polar, at codon 397 of the ALPK3 protein (p.Glu397Lys). This variant is present in population databases (no rsID available, gnomAD 0.003%). This variant has not been reported in the literature in individuals affected with ALPK3-related conditions. ClinVar contains an entry for this variant (Variation ID: 1744321). Advanced modeling of protein sequence and biophysical properties (such as structural, functional, and spatial information, amino acid conservation, physicochemical variation, residue mobility, and thermodynamic stability) performed at Invitae indicates that this missense variant is expected to disrupt ALPK3 protein function with a positive predictive value of 80%. In summary, the available evidence is currently insufficient to determine the role of this variant in disease. Therefore, it has been classified as a Variant of Uncertain Significance.

NM_020778.5(ALPK3):c.583G>A (p.Glu195Lys)

Gene: ALPK3 (alpha kinase 3; plus strand). Cytogenetic location: 15q25.3.
Variant type: single nucleotide variant.
Coding change: c.583G>A on transcript NM_020778.5 (MANE Select); coding-DNA position 583, G replaced by A.
Protein change: p.Glu195Lys; replaces glutamic acid 195 with lysine.
Molecular consequence: missense variant.
Genome position (GRCh38, 1-based): chr15:84,839,862, G>A. VCF-style: chr15-84839862-G-A. GRCh37 (hg19) VCF-style: chr15-85383093-G-A.
Other names: short protein forms E195K.
Identifiers: ClinVar variation 1744321 (VCV001744321.8), dbSNP rs745476445, ClinGen allele CA393372971.